The following is an entry in ClinVar:

ClinVar aggregate classification (germline): Likely pathogenic (1 of 4 stars; one submission).

Submission:

Labcorp Genetics (formerly Invitae), Labcorp
Classification: Likely pathogenic. Last evaluated: 2022-08-16. Review status: criteria provided, single submitter. Criteria: Invitae Variant Classification Sherloc (09022015). Collection method: clinical testing. Allele origin: germline.
Comment: In summary, the currently available evidence indicates that the variant is pathogenic, but additional data are needed to prove that conclusively. Therefore, this variant has been classified as Likely Pathogenic. Algorithms developed to predict the effect of sequence changes on RNA splicing suggest that this variant may disrupt the consensus splice site. ClinVar contains an entry for this variant (Variation ID: 1346688). This variant has not been reported in the literature in individuals affected with ASNS-related conditions. This variant is not present in population databases (gnomAD no frequency). This sequence change affects a donor splice site in intron 8 of the ASNS gene. It is expected to disrupt RNA splicing. Variants that disrupt the donor or acceptor splice site typically lead to a loss of protein function (PMID: 16199547), and loss-of-function variants in ASNS are known to be pathogenic (PMID: 27422383, 30057589).

Literature cited by the submitters: PubMed 16199547; PubMed 27422383; PubMed 30057589.

NM_001673.5(ASNS):c.1030+1G>T

Genes: ASNS (asparagine synthetase (glutamine-hydrolyzing); minus strand), CZ1P-ASNS (CZ1P-ASNS readthrough; minus strand). Cytogenetic location: 7q21.3.
Variant type: single nucleotide variant.
Coding change: c.1030+1G>T on transcript NM_001673.5 (MANE Select); the canonical splice donor site of the intron after coding-DNA position 1030, G replaced by T.
Molecular consequence: splice donor variant.
Genome position (GRCh38, 1-based): chr7:97,856,689, C>A on the plus strand (G>T on the coding strand, the complement: ASNS is on the minus strand). VCF-style: chr7-97856689-C-A. GRCh37 (hg19) VCF-style: chr7-97486001-C-A.
Other names: c.1030+1G>T (NM_001352496.2, NM_183356.4, NM_133436.3); c.781+1G>T (NM_001178076.2, NM_001178077.1); c.967+1G>T (NM_001178075.2).
Identifiers: ClinVar variation 1346688 (VCV001346688.8), dbSNP rs780288372, ClinGen allele CA368266808.
Genomic context (GRCh38, chr7:97,856,689, plus strand): 5'-ACCTTACATTTTTTTCAGTATTAAAAAAAGCTTTTTATTTAAGAATATCATAATACCTTA[C>A]CTACTGAAGCACGAACTGTTGTAATGTCATAAGTTTCCAAGGAAAATATGACTTCATCCA-3'